The following is an entry in ClinVar:

NM_002485.5(NBN):c.272T>C (p.Leu91Ser)

Gene: NBN (nibrin; minus strand). Cytogenetic location: 8q21.3.
Variant type: single nucleotide variant.
Coding change: c.272T>C on transcript NM_002485.5 (MANE Select); coding-DNA position 272, T replaced by C.
Protein change: p.Leu91Ser; replaces leucine 91 with serine.
Molecular consequence: missense variant.
Genome position (GRCh38, 1-based): chr8:89,981,423, A>G on the plus strand (T>C on the coding strand, the complement: NBN is on the minus strand). VCF-style: chr8-89981423-A-G. GRCh37 (hg19) VCF-style: chr8-90993651-A-G.
Other names: c.26T>C, p.Leu9Ser (NM_001024688.3); short protein forms L9S, L91S.
Identifiers: ClinVar variation 3877905 (VCV003877905.1).

ClinVar aggregate classification (germline): Uncertain significance (1 of 4 stars; one submission).

Conditions:
Hereditary cancer-predisposing syndrome. Also called: Tumor predisposition; Neoplastic Syndromes, Hereditary; Hereditary Cancer Syndrome; Hereditary neoplastic syndrome. Identifiers: Orphanet 140162, MedGen C0027672, MeSH D009386, MONDO:0015356.

Submission:

Ambry Genetics
Classification: Uncertain significance for Hereditary cancer-predisposing syndrome. Last evaluated: 2025-02-27. Review status: criteria provided, single submitter. Criteria: Ambry Variant Classification Scheme 2023. Collection method: clinical testing. Allele origin: germline.
Comment: The p.L91S variant (also known as c.272T>C), located in coding exon 3 of the NBN gene, results from a T to C substitution at nucleotide position 272. The leucine at codon 91 is replaced by serine, an amino acid with dissimilar properties. This amino acid position is conserved. In addition, this alteration is predicted to be deleterious by in silico analysis. Based on the available evidence, the clinical significance of this variant remains unclear.